The following is an entry in ClinVar:

NM_021939.4(FKBP10):c.587G>A (p.Ser196Asn)

Gene: FKBP10 (FKBP prolyl isomerase 10; plus strand). Cytogenetic location: 17q21.2.
Variant type: single nucleotide variant.
Coding change: c.587G>A on transcript NM_021939.4 (MANE Select); coding-DNA position 587, G replaced by A.
Protein change: p.Ser196Asn; replaces serine 196 with asparagine.
Molecular consequence: missense variant.
Genome position (GRCh38, 1-based): chr17:41,818,387, G>A. VCF-style: chr17-41818387-G-A. GRCh37 (hg19) VCF-style: chr17-39974639-G-A.
Other names: short protein forms S196N.
Identifiers: ClinVar variation 323185 (VCV000323185.19), dbSNP rs782660556, ClinGen allele CA8566303.

ClinVar aggregate classification (germline): Uncertain significance. Review status: criteria provided, multiple submitters, no conflicts (2 of 4 stars). 3 submissions from 3 submitters: Uncertain significance (3). Last evaluated 2021-04-29.

Conditions:
Osteogenesis imperfecta type 11. Also called: OI, TYPE XI; Osteogenesis imperfecta, type XI. Identifiers: Orphanet 666, MedGen C3151218, MONDO:0012592, OMIM 610968.

Allele frequency attached by ClinVar (database versions not stated): ExAC 0.00001; gnomAD exomes 0.00002; TOPMed 0.00002.

Submissions (3):

Labcorp Genetics (formerly Invitae), Labcorp
Classification: Uncertain significance. Last evaluated: 2021-04-29. Review status: criteria provided, single submitter. Criteria: Invitae Variant Classification Sherloc (09022015). Collection method: clinical testing. Allele origin: germline.
Comment: In summary, the available evidence is currently insufficient to determine the role of this variant in disease. Therefore, it has been classified as a Variant of Uncertain Significance. Algorithms developed to predict the effect of missense changes on protein structure and function are either unavailable or do not agree on the potential impact of this missense change (SIFT: "Deleterious"; PolyPhen-2: "Benign"; Align-GVGD: "Class C0"). This variant has not been reported in the literature in individuals with FKBP10-related conditions. ClinVar contains an entry for this variant (Variation ID: 323185). This variant is present in population databases (rs782660556, ExAC 0.002%). This sequence change replaces serine with asparagine at codon 196 of the FKBP10 protein (p.Ser196Asn). The serine residue is highly conserved and there is a small physicochemical difference between serine and asparagine.

Illumina Laboratory Services, Illumina
Classification: Uncertain significance for Osteogenesis imperfecta type 11. Last evaluated: 2018-01-12. Review status: criteria provided, single submitter. Criteria: ICSL Variant Classification Criteria 13 December 2019. Collection method: clinical testing. Allele origin: germline.

ARUP Laboratories, Molecular Genetics and Genomics, ARUP Laboratories
Classification: Uncertain significance. Last evaluated: 2017-01-17. Review status: criteria provided, single submitter. Criteria: ARUP Molecular Germline Variant Investigation Process. Collection method: clinical testing. Allele origin: germline.